The following is an entry in ClinVar:

ClinVar aggregate classification (germline): Pathogenic/Likely pathogenic. Review status: criteria provided, multiple submitters, no conflicts (2 of 4 stars). 5 submissions from 5 submitters: Pathogenic (3); Likely pathogenic (2). Last evaluated 2024-02-20.

Conditions:
Hereditary breast ovarian cancer syndrome. Also called: Hereditary breast and/or ovarian cancer syndrome; BRCA1- and BRCA2-Associated Hereditary Breast and Ovarian Cancer; Hereditary breast and ovarian cancer syndrome; Hereditary breast and ovarian cancer; Hereditary breast and ovarian cancer syndrome (HBOC); Breast and ovarian cancer. Identifiers: Orphanet 145, MedGen C0677776, MeSH D061325, MONDO:0003582. Disease mechanism: loss of function.
Breast-ovarian cancer, familial, susceptibility to, 1 (BROVCA1). Also called: BRCA1 Hereditary Breast and Ovarian Cancer; OVARIAN CANCER, SUSCEPTIBILITY TO. Identifiers: Orphanet 145, MedGen C2676676, MONDO:0011450, OMIM 604370. Disease mechanism: loss of function.
Hereditary cancer-predisposing syndrome. Also called: Tumor predisposition; Hereditary Cancer Syndrome; Hereditary neoplastic syndrome; Neoplastic Syndromes, Hereditary. Identifiers: Orphanet 140162, MedGen C0027672, MeSH D009386, MONDO:0015356.

Submissions (5):

Revvity Omics, Revvity
Classification: Likely pathogenic. Last evaluated: 2024-02-20. Review status: criteria provided, single submitter. Criteria: ACMG Guidelines, 2015. Collection method: clinical testing. Allele origin: germline.

Labcorp Genetics (formerly Invitae), Labcorp
Classification: Pathogenic for Hereditary breast ovarian cancer syndrome. Last evaluated: 2023-02-11. Review status: criteria provided, single submitter. Criteria: Invitae Variant Classification Sherloc (09022015). Collection method: clinical testing. Allele origin: germline.
Comment: For these reasons, this variant has been classified as Pathogenic. ClinVar contains an entry for this variant (Variation ID: 839374). This variant has not been reported in the literature in individuals affected with BRCA1-related conditions. This variant is not present in population databases (gnomAD no frequency). This sequence change creates a premature translational stop signal (p.Leu1553Cysfs*6) in the BRCA1 gene. It is expected to result in an absent or disrupted protein product. Loss-of-function variants in BRCA1 are known to be pathogenic (PMID: 20104584).

Laboratory for Molecular Medicine, Mass General Brigham Personalized Medicine
Classification: Pathogenic for Hereditary breast ovarian cancer syndrome. Last evaluated: 2022-06-30. Review status: criteria provided, single submitter. Criteria: ACMG Guidelines, 2015. Collection method: clinical testing. Allele origin: germline.
Comment: The p.Leu1553CysfsX6 in BRCA1 has been reported in one breast cancer patient (Ashour 2019 PMID 31372034) and was absent in large population databases. ACMG Criteria applied: PVS1, PM2_supporting, PS4_supporting

Ambry Genetics
Classification: Pathogenic for Hereditary cancer-predisposing syndrome. Last evaluated: 2020-12-15. Review status: criteria provided, single submitter. Criteria: Ambry Variant Classification Scheme 2023. Collection method: clinical testing. Allele origin: germline.
Comment: The c.4658delT pathogenic mutation, located in coding exon 13 of the BRCA1 gene, results from a deletion of one nucleotide at nucleotide position 4658, causing a translational frameshift with a predicted alternate stop codon (p.L1553Cfs*6). This mutation has been reported in an individual diagnosed with epithelial ovarian cancer (Ashour M et al. Cancer Manag Res, 2019 Jul;11:6275-6284). In addition to the clinical data presented in the literature, this alteration is expected to result in loss of function by premature protein truncation or nonsense-mediated mRNA decay. As such, this alteration is interpreted as a disease-causing mutation.

Neuberg Centre For Genomic Medicine, NCGM
Classification: Likely pathogenic for Breast-ovarian cancer, familial, susceptibility to, 1. Review status: criteria provided, single submitter. Criteria: ACMG Guidelines, 2015. Collection method: clinical testing. Allele origin: germline. Inheritance: Autosomal dominant inheritance. Affected: yes.
Comment: The frame shift c.4721del(p.Leu1574CysfsTer6) variant in BRCA1 gene has not been reported previously as a pathogenic variant nor as a benign variant, to our knowledge. The p.Leu1574CysfsTer6 variant is novel (not in any individuals) in gnomAD Exomes and is novel (not in any individuals) in 1000 Genomes. This variant causes a frameshift starting with codon Leucine 1574, changes this amino acid to Cysteine residue, and creates a premature Stop codon at position 6 of the new reading frame, denoted p.Leu1574CysfsTer6. This variant is predicted to cause loss of normal protein function through protein truncation. Loss of function variants have been previously reported to be disease causing. For these reasons, this variant has been classified as Likely Pathogenic.

Literature cited by the submitters: PubMed 20104584 (cited by Labcorp Genetics (formerly Invitae), Labcorp); PubMed 31372034 (cited by Ambry Genetics).

NM_007294.4(BRCA1):c.4658del (p.Leu1553fs)

Gene: BRCA1 (BRCA1 DNA repair associated; minus strand). Cytogenetic location: 17q21.31.
Variant type: Deletion.
Coding change: c.4658del on transcript NM_007294.4 (MANE Select); coding-DNA position 4658, one base deleted (T; older notation c.4658delT).
Protein change: p.Leu1553fs; shifts the reading frame from leucine 1553.
Molecular consequence: frameshift variant. On other transcripts: non-coding transcript variant (1).
Genome position (GRCh38, 1-based): chr17:43,074,348, A deleted on the plus strand (T on the coding strand, the reverse complement: BRCA1 is on the minus strand); the first of 2 consecutive A bases (chr17:43,074,348-43,074,349); deleting either gives the same sequence. VCF-style (leftmost placement, unchanged base first): chr17-43074347-CA-C. GRCh37 (hg19) VCF-style: chr17-41226364-CA-C.
Other names: c.1144delT, p.Leu382Cysfs (NM_001408476.1, NM_001408475.1); c.1138delT, p.Leu380Cysfs (NM_001408478.1, NM_001408479.1, NM_001408480.1); c.1135delT, p.Leu379Cysfs (NM_001408481.1, NM_001408482.1, NM_001408483.1 and 5 more transcripts); c.1132delT, p.Leu378Cysfs (NM_001408492.1, NM_001408493.1); c.1108delT, p.Leu370Cysfs (NM_001408494.1); c.1102delT, p.Leu368Cysfs (NM_001408495.1); c.1084delT, p.Leu362Cysfs (NM_001408496.1, NM_001408497.1, NM_001408498.1 and 3 more transcripts); c.1081delT, p.Leu361Cysfs (NM_001408502.1, NM_001408503.1, NM_001408504.1); and 72 more; short protein forms L1506fs, L1553fs, L1574fs, L449fs.
Identifiers: ClinVar variation 839374 (VCV000839374.14), dbSNP rs2052588740, ClinGen allele CA916080204.
Genomic context (GRCh38, chr17:43,074,347, plus strand): 5'-GTAAAATCAAAGTGTTTGTTCCAATACAGCAGATGAAATATTACCTAGATCTTGCCTTGG[CA>C]AGTAAGATGTTTCCGTCAAATCGTGTGGCCCAGACTCTTCCAGCTGTTGCTCCTCCACAT-3'